The following is an entry in ClinVar:

ClinVar aggregate classification (germline): Likely pathogenic (1 of 4 stars; one submission).

Conditions:
Autosomal recessive nonsyndromic hearing loss 1A (DFNB1A). Also called: GJB6-Related DFNB 1 Nonsyndromic Hearing Loss and Deafness; Nonsyndromic Hearing Loss and Deafness, DFNB1; GJB2-Related Autosomal Recessive Nonsyndromic Hearing Loss; Deafness, autosomal recessive 1A; Connexin 26 deafness; Deafness nonsyndromic, Connexin 26 linked. Identifiers: Orphanet 90636, MedGen C2673759, MONDO:0009076, OMIM 220290.

Submission:

Institute of Rare Diseases, West China Hospital, Sichuan University
Classification: Likely pathogenic for Autosomal recessive nonsyndromic hearing loss 1A. Last evaluated: 2025-01-09. Review status: criteria provided, single submitter. Criteria: ClinGen HL ACMG Specifications v1. Collection method: research. Allele origin: germline. Affected: yes.
Comment: PM3_Strong;PM5;PM2_Supporting

NM_004004.6(GJB2):c.420C>G (p.Ile140Met)

Gene: GJB2 (gap junction protein beta 2; minus strand). Cytogenetic location: 13q12.11.
Variant type: single nucleotide variant.
Coding change: c.420C>G on transcript NM_004004.6 (MANE Select); coding-DNA position 420, C replaced by G.
Protein change: p.Ile140Met; replaces isoleucine 140 with methionine.
Molecular consequence: missense variant.
Genome position (GRCh38, 1-based): chr13:20,189,162, G>C on the plus strand (C>G on the coding strand, the complement: GJB2 is on the minus strand). VCF-style: chr13-20189162-G-C. GRCh37 (hg19) VCF-style: chr13-20763301-G-C.
Other names: short protein forms I140M.
Identifiers: ClinVar variation 3601146 (VCV003601146.1).